The following is an entry in ClinVar:

NM_021930.6(RINT1):c.2255A>C (p.Gln752Pro)

Genes: EFCAB10 (EF-hand calcium binding domain 10; minus strand), RINT1 (RAD50 interactor 1; plus strand). Cytogenetic location: 7q22.3.
Variant type: single nucleotide variant.
Coding change: c.2255A>C on transcript NM_021930.6 (MANE Select); coding-DNA position 2255, A replaced by C.
Protein change: p.Gln752Pro; replaces glutamine 752 with proline.
Molecular consequence: missense variant. On other transcripts: intron variant (3), 3 prime UTR variant (2), non-coding transcript variant (1).
Genome position (GRCh38, 1-based): chr7:105,567,187, A>C. VCF-style: chr7-105567187-A-C. GRCh37 (hg19) VCF-style: chr7-105207634-A-C.
Other names: c.383+280T>G (NM_001355526.2, NM_001355530.2); c.*267T>G (NM_001355527.2, NM_001355529.2); c.2021A>C, p.Gln674Pro (NM_001346599.2); c.1232A>C, p.Gln411Pro (NM_001346600.2, NM_001346603.2); c.1331A>C, p.Gln444Pro (NM_001346601.2); c.360-1740T>G (NM_001355531.2); short protein forms Q444P, Q674P, Q752P, Q411P.
Identifiers: ClinVar variation 641684 (VCV000641684.14), dbSNP rs919181672, ClinGen allele CA164069162.

ClinVar aggregate classification (germline): Uncertain significance. Review status: criteria provided, multiple submitters, no conflicts (2 of 4 stars). 2 submissions from 2 submitters: Uncertain significance (2). Last evaluated 2025-06-13.

gnomAD v4.1: 4 of 1,611,696 alleles (0.00025%); no homozygotes.

Submissions (2):

Ambry Genetics
Classification: Uncertain significance. Last evaluated: 2025-06-13. Review status: criteria provided, single submitter. Criteria: Ambry Variant Classification Scheme 2023. Collection method: clinical testing. Allele origin: germline.
Comment: The p.Q752P variant (also known as c.2255A>C), located in coding exon 15 of the RINT1 gene, results from an A to C substitution at nucleotide position 2255. The glutamine at codon 752 is replaced by proline, an amino acid with similar properties. In a study of breast or ovarian cancer-affected cases and cancer-free controls in Australia, this variant was reported in 1/2024 cases and 0/1886 controls (Li N et al. Breast Cancer Res Treat, 2016 09;159:385-92). In another study, this variant was reported in 4/60,466 breast cancer cases and in 5/53,461 controls (Dorling et al. N Engl J Med. 2021 02;384:428-439). This amino acid position is well conserved in available vertebrate species. In addition, the in silico prediction for this alteration is inconclusive. Since supporting evidence is limited at this time, the clinical significance of this alteration remains unclear.

Labcorp Genetics (formerly Invitae), Labcorp
Classification: Uncertain significance. Last evaluated: 2022-12-15. Review status: criteria provided, single submitter. Criteria: Invitae Variant Classification Sherloc (09022015). Collection method: clinical testing. Allele origin: germline.
Comment: In summary, the available evidence is currently insufficient to determine the role of this variant in disease. Therefore, it has been classified as a Variant of Uncertain Significance. Algorithms developed to predict the effect of missense changes on protein structure and function are either unavailable or do not agree on the potential impact of this missense change (SIFT: "Deleterious"; PolyPhen-2: "Possibly Damaging"; Align-GVGD: "Class C0"). ClinVar contains an entry for this variant (Variation ID: 641684). This missense change has been observed in individual(s) with breast or ovarian cancer (PMID: 27544226). This variant is not present in population databases (gnomAD no frequency). This sequence change replaces glutamine, which is neutral and polar, with proline, which is neutral and non-polar, at codon 752 of the RINT1 protein (p.Gln752Pro).

Literature cited by the submitters: PubMed 27544226 (cited by Ambry Genetics and Labcorp Genetics (formerly Invitae), Labcorp); PubMed 33471991 (cited by Ambry Genetics).